The following is an entry in ClinVar:

NM_012335.4(MYO1F):c.2123T>A (p.Val708Glu)

Gene: MYO1F (myosin IF; minus strand). Cytogenetic location: 19p13.2.
Variant type: single nucleotide variant.
Coding change: c.2123T>A on transcript NM_012335.4 (MANE Select); coding-DNA position 2123, T replaced by A.
Protein change: p.Val708Glu; replaces valine 708 with glutamic acid.
Molecular consequence: missense variant.
Genome position (GRCh38, 1-based): chr19:8,530,494, A>T on the plus strand (T>A on the coding strand, the complement: MYO1F is on the minus strand). VCF-style: chr19-8530494-A-T. GRCh37 (hg19) VCF-style: chr19-8595378-A-T.
Other names: c.2111T>A, p.Val704Glu (NM_001348355.2); short protein forms V704E, V708E.
Identifiers: ClinVar variation 3046609 (VCV003046609.3), dbSNP rs200375822, ClinGen allele CA9158990.

ClinVar aggregate classification (germline): Uncertain significance. Review status: criteria provided, single submitter (1 of 4 stars). 2 submissions from 2 submitters: Uncertain significance (1). 1 of the submissions does not count toward it. Last evaluated 2024-04-12.

Conditions:
MYO1F-related disorder. Also called: MYO1F-related condition.

Allele frequency attached by ClinVar (database versions not stated): ESP Exome Variant Server 0.00008; gnomAD 0.00009; TOPMed 0.00025; 1000 Genomes Project 0.00060; 1000 Genomes Project 30x 0.00062.
gnomAD v4.1: 116 of 1,613,758 alleles (0.0072%); highest among the groups gnomAD compares: East Asian, 0.18%; no homozygotes.

Submissions (2):

Ambry Genetics
Classification: Uncertain significance. Last evaluated: 2024-04-12. Review status: criteria provided, single submitter. Criteria: Ambry Variant Classification Scheme 2023. Collection method: clinical testing. Allele origin: germline.

PreventionGenetics, part of Exact Sciences
Classification: Likely benign for MYO1F-related condition. Last evaluated: 2022-02-03. Review status: no assertion criteria provided. Collection method: clinical testing. Allele origin: germline. Not counted in ClinVar's aggregate classification.
Comment: This variant is classified as likely benign based on ACMG/AMP sequence variant interpretation guidelines (Richards et al. 2015 PMID: 25741868, with internal and published modifications).